The following is an entry in ClinVar:

ClinVar aggregate classification (germline): Pathogenic (1 of 4 stars; one submission).

Conditions:
Periodontitis, aggressive. Identifiers: MedGen C0031106, MONDO:0980757.
Papillon-Lefèvre syndrome (PALS). Also called: KERATOSIS PALMOPLANTARIS WITH PERIODONTOPATHIA; Papillon-Lefevre Disease. Identifiers: Orphanet 678, MedGen C0030360, MONDO:0009490, OMIM 245000.
Haim-Munk syndrome (HMS). Also called: COCHIN JEWISH DISORDER; KERATOSIS PALMOPLANTARIS WITH PERIODONTOPATHIA AND ONYCHOGRYPOSIS. Identifiers: Orphanet 2342, MedGen C1855627, MONDO:0009491, OMIM 245010.

Allele frequency attached by ClinVar (database versions not stated): gnomAD exomes below 0.00001; ExAC 0.00001; TOPMed 0.00001.

Submission:

Labcorp Genetics (formerly Invitae), Labcorp
Classification: Pathogenic for Haim-Munk syndrome; Periodontitis, aggressive; Papillon-Lefèvre syndrome. Last evaluated: 2024-01-13. Review status: criteria provided, single submitter. Criteria: Invitae Variant Classification Sherloc (09022015). Collection method: clinical testing. Allele origin: germline.
Comment: This sequence change creates a premature translational stop signal (p.Tyr170*) in the CTSC gene. It is expected to result in an absent or disrupted protein product. Loss-of-function variants in CTSC are known to be pathogenic (PMID: 10662808, 11106356, 11886537). This variant is present in population databases (rs758017974, gnomAD 0.0009%). This variant has not been reported in the literature in individuals affected with CTSC-related conditions. For these reasons, this variant has been classified as Pathogenic.

Literature cited by the submitters: PubMed 10662808; PubMed 11106356; PubMed 11886537.

NM_001814.6(CTSC):c.509dup (p.Tyr170Ter)

Gene: CTSC (cathepsin C; minus strand). Cytogenetic location: 11q14.2.
Variant type: Duplication.
Coding change: c.509dup on transcript NM_001814.6 (MANE Select); coding-DNA position 509, one base duplicated (A; older notation c.509dupA).
Protein change: p.Tyr170Ter; replaces tyrosine 170 with a stop codon.
Molecular consequence: nonsense.
Genome position (GRCh38, 1-based): chr11:88,309,295, T duplicated on the plus strand (A on the coding strand, the reverse complement: CTSC is on the minus strand). VCF-style (leftmost placement, unchanged base first): chr11-88309294-A-AT. GRCh37 (hg19) VCF-style: chr11-88042462-A-AT.
Other names: short protein forms Y170*.
Identifiers: ClinVar variation 2933811 (VCV002933811.3), dbSNP rs758017974, ClinGen allele CA6219927.